The following is an entry in ClinVar:

ClinVar aggregate classification (germline): Benign (1 of 4 stars; one submission).

Allele frequency attached by ClinVar (database versions not stated): TOPMed 0.88175; 1000 Genomes Project 0.88219; gnomAD 0.88628 and 0.89324.

Submission:

GeneDx
Classification: Benign. Last evaluated: 2018-06-14. Review status: criteria provided, single submitter. Criteria: GeneDx Variant Classification (06012015). Collection method: clinical testing. Allele origin: germline. Affected: yes.
Comment: This variant is considered likely benign or benign based on one or more of the following criteria: it is a conservative change, it occurs at a poorly conserved position in the protein, it is predicted to be benign by multiple in silico algorithms, and/or has population frequency not consistent with disease.

NM_001365088.1(SLC12A6):c.544-221_544-218dup

Gene: SLC12A6 (solute carrier family 12 member 6; minus strand). Cytogenetic location: 15q14.
Variant type: Duplication.
Coding change: c.544-221_544-218dup on transcript NM_001365088.1 (MANE Select); 221 bases into the intron before coding-DNA position 544 through 218 bases into the intron before coding-DNA position 544, 4 bases duplicated (CTTT; older notation c.544-221_544-218dupCTTT).
Molecular consequence: intron variant.
Genome position (GRCh38, 1-based): chr15:34,258,006-34,258,009, AAAG duplicated on the plus strand (CTTT on the coding strand, the reverse complement: SLC12A6 is on the minus strand). VCF-style (leftmost placement, unchanged base first): chr15-34258005-C-CAAAG. GRCh37 (hg19) VCF-style: chr15-34550206-C-CAAAG.
Other names: c.367-221_367-218dup (NM_001042495.2, NM_001042494.2); c.517-221_517-218dup (NM_001042496.2); c.499-221_499-218dup (NM_001042497.2); c.544-221_544-218dup (NM_133647.2); c.391-221_391-218dup (NM_005135.2); c.544-218_544-217insCTTT (NM_133647.1).
Identifiers: ClinVar variation 670085 (VCV000670085.1), dbSNP rs10640651, ClinGen allele CA268641272.